The following is an entry in ClinVar:

NM_032482.3(DOT1L):c.1352-2A>G

Gene: DOT1L (DOT1 like histone lysine methyltransferase; plus strand). Cytogenetic location: 19p13.3.
Variant type: single nucleotide variant.
Coding change: c.1352-2A>G on transcript NM_032482.3 (MANE Select); the canonical splice acceptor site of the intron before coding-DNA position 1352, A replaced by G.
Molecular consequence: splice acceptor variant.
Genome position (GRCh38, 1-based): chr19:2,211,097, A>G. VCF-style: chr19-2211097-A-G. GRCh37 (hg19) VCF-style: chr19-2211096-A-G.
Other names: c.1352-2A>G (NM_001411141.1).
Identifiers: ClinVar variation 3372314 (VCV003372314.1).

ClinVar aggregate classification (germline): Uncertain significance (1 of 4 stars; one submission).

Submission:

GeneDx
Classification: Uncertain significance. Last evaluated: 2024-04-09. Review status: criteria provided, single submitter. Criteria: GeneDx Variant Classification Process June 2021. Collection method: clinical testing. Allele origin: germline. Affected: yes.
Comment: Not observed at significant frequency in large population cohorts (gnomAD); Canonical splice site variant in a gene or region of a gene for which loss of function is not a well-established mechanism of disease; Has not been previously published as pathogenic or benign to our knowledge